The following is an entry in ClinVar:

NM_001001344.3(ATP2B3):c.244A>G (p.Arg82Gly)

Gene: ATP2B3 (ATPase plasma membrane Ca2+ transporting 3; plus strand). Cytogenetic location: Xq28.
Variant type: single nucleotide variant.
Coding change: c.244A>G on transcript NM_001001344.3 (MANE Select); coding-DNA position 244, A replaced by G.
Protein change: p.Arg82Gly; replaces arginine 82 with glycine.
Molecular consequence: missense variant.
Genome position (GRCh38, 1-based): chrX:153,541,394, A>G. VCF-style: chrX-153541394-A-G. GRCh37 (hg19) VCF-style: chrX-152806852-A-G.
Other names: c.244A>G, p.Arg82Gly (NM_001388360.1, NM_001388361.1, NM_001388362.1 and 1 more transcripts); short protein forms R82G.
Identifiers: ClinVar variation 430435 (VCV000430435.2), dbSNP rs1131691962, ClinGen allele CA415074564.

ClinVar aggregate classification (germline): Uncertain significance (1 of 4 stars; one submission).

Allele frequency attached by ClinVar (database versions not stated): gnomAD exomes 0.00001.
gnomAD v4.1: 11 of 1,212,004 alleles (0.00091%); highest among the groups gnomAD compares: Non-Finnish European, 0.0011%; no homozygotes.

Submission:

GeneDx
Classification: Uncertain significance. Last evaluated: 2017-05-24. Review status: criteria provided, single submitter. Criteria: GeneDx Variant Classification (06012015). Collection method: clinical testing. Allele origin: germline. Affected: yes.
Comment: The R82G variant in the ATP2B3 gene has not been reported previously as a pathogenic variant, nor as a benign variant, to our knowledge. The R82G variant is not observed in large population cohorts (Lek et al., 2016; 1000 Genomes Consortium et al., 2015; Exome Variant Server). The R82G variant is a non-conservative amino acid substitution, which is likely to impact secondary protein structure as these residues differ in polarity, charge, size and/or other properties. This substitution occurs at a position where amino acids with similar properties to Arginine are tolerated across species. In silico analysis predicts this variant is probably damaging to the protein structure/function. We interpret R82G as a variant of uncertain significance.